The following is an entry in ClinVar:

NM_000435.3(NOTCH3):c.3884A>G (p.Glu1295Gly)

Gene: NOTCH3 (notch receptor 3; minus strand). Cytogenetic location: 19p13.12.
Variant type: single nucleotide variant.
Coding change: c.3884A>G on transcript NM_000435.3 (MANE Select); coding-DNA position 3884, A replaced by G.
Protein change: p.Glu1295Gly; replaces glutamic acid 1295 with glycine.
Molecular consequence: missense variant.
Genome position (GRCh38, 1-based): chr19:15,178,044, T>C on the plus strand (A>G on the coding strand, the complement: NOTCH3 is on the minus strand). VCF-style: chr19-15178044-T-C. GRCh37 (hg19) VCF-style: chr19-15288855-T-C.
Other names: short protein forms E1295G.
Identifiers: ClinVar variation 1878243 (VCV001878243.1), dbSNP rs1350139687, ClinGen allele CA404506572.
Genomic context (GRCh38, chr19:15,178,044, plus strand): 5'-CAGGCGCAGCGCGGCCCGCGGGGCGTCTGCTGGCATGGGACGCCCACCGGGCACTGCAGC[T>C]CCCGGCAGGAGCGCGCCACCCGCTCGCAACGCGGACCCCAGAACGGCTGGGGGTCGGGTT-3'
Protein context (NP_000426.2, residues 1285-1305): RCERVARSCR[Glu1295Gly]LQCPVGVPCQ

ClinVar aggregate classification (germline): Uncertain significance (1 of 4 stars; one submission).

Submission:

Women's Health and Genetics/Laboratory Corporation of America, LabCorp
Classification: Uncertain significance. Last evaluated: 2022-12-08. Review status: criteria provided, single submitter. Criteria: LabCorp Variant Classification Summary - May 2015. Collection method: clinical testing. Allele origin: germline.
Comment: Variant summary: NOTCH3 c.3884A>G (p.Glu1295Gly) results in a non-conservative amino acid change located in the EGF-like domain (IPR000742) of the encoded protein sequence. Four of five in-silico tools predict a damaging effect of the variant on protein function. The variant was absent in 113936 control chromosomes (gnomAD). The available data on variant occurrences in the general population are insufficient to allow any conclusion about variant significance. To our knowledge, no occurrence of c.3884A>G in individuals affected with NOTCH3-Related Disorders and no experimental evidence demonstrating its impact on protein function have been reported. No clinical diagnostic laboratories have submitted clinical-significance assessments for this variant to ClinVar after 2014. Based on the evidence outlined above, the variant was classified as uncertain significance.